The following is an entry in ClinVar:

ClinVar aggregate classification (germline): Uncertain significance. Review status: criteria provided, multiple submitters, no conflicts (2 of 4 stars). 3 submissions from 3 submitters: Uncertain significance (3). Last evaluated 2024-12-09.

Allele frequency attached by ClinVar (database versions not stated): gnomAD exomes below 0.00001; ExAC 0.00002; TOPMed 0.00003; gnomAD 0.00006.
gnomAD v4.1: 14 of 1,613,822 alleles (0.00087%); highest among the groups gnomAD compares: African/African-American, 0.019%; no homozygotes.

Submissions (3):

Labcorp Genetics (formerly Invitae), Labcorp
Classification: Uncertain significance. Last evaluated: 2024-12-09. Review status: criteria provided, single submitter. Criteria: Invitae Variant Classification Sherloc (09022015). Collection method: clinical testing. Allele origin: germline.
Comment: This sequence change replaces arginine, which is basic and polar, with lysine, which is basic and polar, at codon 453 of the KIF23 protein (p.Arg453Lys). This variant is present in population databases (rs775884734, gnomAD 0.01%). This variant has not been reported in the literature in individuals affected with KIF23-related conditions. ClinVar contains an entry for this variant (Variation ID: 2433147). Invitae Evidence Modeling of protein sequence and biophysical properties (such as structural, functional, and spatial information, amino acid conservation, physicochemical variation, residue mobility, and thermodynamic stability) indicates that this missense variant is not expected to disrupt KIF23 protein function with a negative predictive value of 80%. In summary, the available evidence is currently insufficient to determine the role of this variant in disease. Therefore, it has been classified as a Variant of Uncertain Significance.

Ambry Genetics
Classification: Uncertain significance. Last evaluated: 2024-11-06. Review status: criteria provided, single submitter. Criteria: Ambry Variant Classification Scheme 2023. Collection method: clinical testing. Allele origin: germline.

Revvity Omics, Revvity
Classification: Uncertain significance. Last evaluated: 2024-10-08. Review status: criteria provided, single submitter. Criteria: ACMG Guidelines, 2015. Collection method: clinical testing. Allele origin: germline.

NM_001367805.3(KIF23):c.1400G>A (p.Arg467Lys)

Gene: KIF23 (kinesin family member 23; plus strand). Cytogenetic location: 15q23.
Variant type: single nucleotide variant.
Coding change: c.1400G>A on transcript NM_001367805.3 (MANE Select); coding-DNA position 1400, G replaced by A.
Protein change: p.Arg467Lys; replaces arginine 467 with lysine.
Molecular consequence: missense variant. On other transcripts: non-coding transcript variant (2).
Genome position (GRCh38, 1-based): chr15:69,436,223, G>A. VCF-style: chr15-69436223-G-A. GRCh37 (hg19) VCF-style: chr15-69728562-G-A.
Other names: c.1028G>A, p.Arg343Lys (NM_001281301.2); c.1358G>A, p.Arg453Lys (NM_001367804.2, NM_004856.7, NM_138555.4); c.1358G>A (NM_138555.2); short protein forms R343K, R453K, R467K.
Identifiers: ClinVar variation 2433147 (VCV002433147.6), dbSNP rs775884734, ClinGen allele CA7635170.